The following is an entry in ClinVar:

ClinVar aggregate classification (germline): Uncertain significance. Review status: criteria provided, multiple submitters, no conflicts (2 of 4 stars). 2 submissions from 2 submitters: Uncertain significance (2). Last evaluated 2022-04-21.

Conditions:
Inborn genetic diseases. Identifiers: MedGen C0950123, MeSH D030342.

Allele frequency attached by ClinVar (database versions not stated): gnomAD exomes below 0.00001.
gnomAD v4.1: 2 of 1,614,226 alleles (0.00012%); highest among the groups gnomAD compares: Admixed American, 0.0033%; no homozygotes.

Submissions (2):

Labcorp Genetics (formerly Invitae), Labcorp
Classification: Uncertain significance. Last evaluated: 2022-04-21. Review status: criteria provided, single submitter. Criteria: Invitae Variant Classification Sherloc (09022015). Collection method: clinical testing. Allele origin: germline.
Comment: In summary, the available evidence is currently insufficient to determine the role of this variant in disease. Therefore, it has been classified as a Variant of Uncertain Significance. Algorithms developed to predict the effect of missense changes on protein structure and function (SIFT, PolyPhen-2, Align-GVGD) all suggest that this variant is likely to be disruptive. This variant has not been reported in the literature in individuals affected with MDH2-related conditions. This variant is present in population databases (no rsID available, gnomAD 0.006%). This sequence change replaces valine, which is neutral and non-polar, with alanine, which is neutral and non-polar, at codon 194 of the MDH2 protein (p.Val194Ala).

Ambry Genetics
Classification: Uncertain significance for Inborn genetic diseases. Last evaluated: 2022-02-09. Review status: criteria provided, single submitter. Criteria: Ambry Variant Classification Scheme 2023. Collection method: clinical testing. Allele origin: germline.
Comment: The p.V194A variant (also known as c.581T>C), located in coding exon 6 of the MDH2 gene, results from a T to C substitution at nucleotide position 581. The valine at codon 194 is replaced by alanine, an amino acid with similar properties. This amino acid position is conserved. In addition, this alteration is predicted to be deleterious by in silico analysis. Since supporting evidence is limited at this time, the clinical significance of this alteration remains unclear.

NM_005918.4(MDH2):c.581T>C (p.Val194Ala)

Gene: MDH2 (malate dehydrogenase 2; plus strand). Cytogenetic location: 7q11.23.
Variant type: single nucleotide variant.
Coding change: c.581T>C on transcript NM_005918.4 (MANE Select); coding-DNA position 581, T replaced by C.
Protein change: p.Val194Ala; replaces valine 194 with alanine.
Molecular consequence: missense variant.
Genome position (GRCh38, 1-based): chr7:76,063,540, T>C. VCF-style: chr7-76063540-T-C. GRCh37 (hg19) VCF-style: chr7-75692858-T-C.
Other names: c.455T>C, p.Val152Ala (NM_001282403.2); c.260T>C, p.Val87Ala (NM_001282404.2); short protein forms V194A, V152A, V87A.
Identifiers: ClinVar variation 1749884 (VCV001749884.6), dbSNP rs1554587299, ClinGen allele CA367766644.